The following is an entry in ClinVar:

NM_024426.6(WT1):c.1057A>G (p.Ile353Val)

Gene: WT1 (WT1 transcription factor; minus strand). Cytogenetic location: 11p13.
Variant type: single nucleotide variant.
Coding change: c.1057A>G on transcript NM_024426.6 (MANE Select); coding-DNA position 1057, A replaced by G.
Protein change: p.Ile353Val; replaces isoleucine 353 with valine.
Molecular consequence: missense variant. On other transcripts: non-coding transcript variant (1), 5 prime UTR variant (1).
Genome position (GRCh38, 1-based): chr11:32,400,004, T>C on the plus strand (A>G on the coding strand, the complement: WT1 is on the minus strand). VCF-style: chr11-32400004-T-C. GRCh37 (hg19) VCF-style: chr11-32421550-T-C.
Other names: c.1006A>G, p.Ile336Val (NM_000378.6, NM_001407045.1, NM_001407048.1 and 1 more transcripts); c.406A>G, p.Ile136Val (NM_001198551.2); c.355A>G, p.Ile119Val (NM_001198552.2); c.-132A>G (NM_001367854.1); c.1051A>G, p.Ile351Val (NM_001407044.1); c.1057A>G, p.Ile353Val (NM_001407046.1, NM_024424.5); c.934A>G, p.Ile312Val (NM_001407047.1); c.883A>G, p.Ile295Val (NM_001407050.1); and 2 more; short protein forms I136V, I353V, I119V, I336V, I312V, I295V, I331V, I351V.
Identifiers: ClinVar variation 476674 (VCV000476674.14), dbSNP rs1554940527, ClinGen allele CA379960423.

ClinVar aggregate classification (germline): Uncertain significance. Review status: criteria provided, multiple submitters, no conflicts (2 of 4 stars). 3 submissions from 3 submitters: Uncertain significance (3). Last evaluated 2026-08-31.

Conditions:
Inborn genetic diseases. Identifiers: MedGen C0950123, MeSH D030342.
Wilms tumor 1 (WT1). Also called: Wilms tumor, somatic. Identifiers: Orphanet 654, MedGen CN033288, MONDO:0008679, OMIM 194070.
11p partial monosomy syndrome (WAGR). Also called: WAGR syndrome; WAGR Spectrum Disorder; CHROMOSOME 11p13 DELETION SYNDROME; WAGR Complex. Identifiers: Orphanet 893, MedGen C0206115, MONDO:0008681, OMIM 194072.
Drash syndrome (DDS). Also called: NEPHROPATHY, WILMS TUMOR, AND GENITAL ANOMALIES; WILMS TUMOR AND PSEUDO- OR TRUE HERMAPHRODITISM. Identifiers: Orphanet 220, MedGen C0950121, MONDO:0008682, OMIM 194080.
Frasier syndrome. Identifiers: Orphanet 347, MedGen C0950122, MeSH D052159, MONDO:0007635, OMIM 136680.

Allele frequency attached by ClinVar (database versions not stated): gnomAD exomes below 0.00001.
gnomAD v4.1: 2 of 1,614,176 alleles (0.00012%); highest among the groups gnomAD compares: South Asian, 0.0022%; no homozygotes.

Submissions (3):

Ambry Genetics
Classification: Uncertain significance for Inborn genetic diseases. Last evaluated: 2026-08-31. Review status: criteria provided, single submitter. Criteria: Ambry Variant Classification Scheme 2023. Collection method: clinical testing. Allele origin: germline.
Comment: The p.I348V variant (also known as c.1042A>G), located in coding exon 6 of the WT1 gene, results from an A to G substitution at nucleotide position 1042. The isoleucine at codon 348 is replaced by valine, an amino acid with highly similar properties. This amino acid position is conserved. In addition, this alteration is predicted to be tolerated by in silico analysis. Based on the available evidence, the clinical significance of this variant remains unclear.

All of Us Research Program, National Institutes of Health
Classification: Uncertain significance for Wilms tumor 1. Last evaluated: 2023-12-13. Review status: criteria provided, single submitter. Criteria: ACMG Guidelines, 2015. Collection method: clinical testing. Allele origin: germline. Inheritance: Autosomal dominant inheritance. Observed: 1 variant allele, 1 heterozygote.
Comment: This missense variant replaces isoleucine with valine at codon 348 of the WT1 protein. Computational prediction suggests that this variant may not impact protein structure and function. To our knowledge, functional studies have not been reported for this variant. This variant has not been reported in individuals affected with WT1-related disorders in the literature. This variant has not been identified in the general population by the Genome Aggregation Database (gnomAD). The available evidence is insufficient to determine the role of this variant in disease conclusively. Therefore, this variant is classified as a Variant of Uncertain Significance.

This study involves interpretation of variants in research participants for the purpose of population health screening. Participant phenotype was not available at the time of variant classification. Additional details can be found in publication PMID: 35346344, PMCID: PMC8962531

Labcorp Genetics (formerly Invitae), Labcorp
Classification: Uncertain significance for Wilms tumor 1; Drash syndrome; 11p partial monosomy syndrome; Frasier syndrome. Last evaluated: 2019-08-10. Review status: criteria provided, single submitter. Criteria: Invitae Variant Classification Sherloc (09022015). Collection method: clinical testing. Allele origin: germline.
Comment: In summary, this variant has uncertain impact on WT1 function. The available evidence is currently insufficient to determine its role in disease. Therefore, it has been classified as a Variant of Uncertain Significance. Algorithms developed to predict the effect of missense changes on protein structure and function (SIFT, PolyPhen-2, Align-GVGD) all suggest that this variant is likely to be tolerated, but these predictions have not been confirmed by published functional studies and their clinical significance is uncertain. This variant has not been reported in the literature in individuals with a WT1-related disease. This variant is not present in population databases (ExAC no frequency). This sequence change replaces isoleucine with valine at codon 348 of the WT1 protein (p.Ile348Val). The isoleucine residue is highly conserved and there is a small physicochemical difference between isoleucine and valine.